The following is an entry in ClinVar:

ClinVar aggregate classification (germline): Uncertain significance (1 of 4 stars; one submission).

Conditions:
HCCS-related disorder. Also called: HCCS-related condition.

Submission:

PreventionGenetics, part of Exact Sciences
Classification: Uncertain significance for HCCS-related condition. Last evaluated: 2023-02-23. Review status: criteria provided, single submitter. Criteria: ACMG Guidelines, 2015. Collection method: clinical testing. Allele origin: germline.
Comment: The HCCS c.439A>G variant is predicted to result in the amino acid substitution p.Met147Val. To our knowledge, this variant has not been reported in the literature or in a large population database, indicating this variant is rare. At this time, the clinical significance of this variant is uncertain due to the absence of conclusive functional and genetic evidence.

NM_005333.5(HCCS):c.439A>G (p.Met147Val)

Gene: HCCS (holocytochrome c synthase; plus strand). Cytogenetic location: Xp22.2.
Variant type: single nucleotide variant.
Coding change: c.439A>G on transcript NM_005333.5 (MANE Select); coding-DNA position 439, A replaced by G.
Protein change: p.Met147Val; replaces methionine 147 with valine.
Molecular consequence: missense variant.
Genome position (GRCh38, 1-based): chrX:11,118,538, A>G. VCF-style: chrX-11118538-A-G. GRCh37 (hg19) VCF-style: chrX-11136658-A-G.
Other names: c.439A>G, p.Met147Val (NM_001122608.3, NM_001171991.3); short protein forms M147V.
Identifiers: ClinVar variation 2630185 (VCV002630185.1), dbSNP rs2518476272, ClinGen allele CA412054935.
Genomic context (GRCh38, chrX:11,118,538, plus strand): 5'-TTTTACCAAATATTCTTTCCTAGGTGGAAGTGGAAGGATGAGGATATCAGTCAGAAGGAT[A>G]TGTATAATATCATTAGAATTCACAATCAGAATAACGAGCAGGCTTGGAAGGAGATTTTGA-3'
Protein context (NP_005324.3, residues 137-157): WKDEDISQKD[Met147Val]YNIIRIHNQN